The following continues an entry in ClinVar:

NM_000051.4(ATM):c.8921C>T (p.Pro2974Leu)

ClinVar aggregate classification (germline): Conflicting classifications of pathogenicity. Uncertain significance (12); Benign (2); Likely benign (4).

Submissions 15 to 20 of 20:

CeGaT Center for Human Genetics Tuebingen
Classification: Uncertain significance. Last evaluated: 2022-07-01. Review status: criteria provided, single submitter. Criteria: CeGaT Center For Human Genetics Tuebingen Variant Classification Criteria Version 2. Collection method: clinical testing. Allele origin: germline. Affected: yes. Observed: 1 variant allele.
Comment: ATM: PS3:Supporting, BP4

Sema4
Classification: Likely benign for Hereditary cancer-predisposing syndrome. Last evaluated: 2021-06-03. Review status: criteria provided, single submitter. Criteria: Sema4 Curation Guidelines. Collection method: curation. Allele origin: germline.

Mendelics
Classification: Uncertain significance for Ataxia-telangiectasia syndrome. Last evaluated: 2019-05-28. Review status: criteria provided, single submitter. Criteria: Mendelics Assertion Criteria 2017. Collection method: clinical testing. Allele origin: unknown.

Cancer Genomics Group, Japanese Foundation For Cancer Research
Classification: Uncertain significance for Hereditary breast and ovarian cancer syndrome. Last evaluated: 2019-05-01. Review status: criteria provided, single submitter. Criteria: ACMG Guidelines, 2015. Collection method: research. Allele origin: germline. Affected: yes.

Counsyl
Classification: Uncertain significance for Ataxia-telangiectasia syndrome. Last evaluated: 2018-02-28. Review status: no assertion criteria provided. Collection method: clinical testing. Allele origin: unknown. Not counted in ClinVar's aggregate classification.

Department of Pathology and Laboratory Medicine, Sinai Health System
Classification: Uncertain significance for Malignant tumor of breast. Review status: no assertion criteria provided. Collection method: clinical testing. Allele origin: unknown. Affected: yes. Study: The Canadian Open Genetics Repository (COGR). Not counted in ClinVar's aggregate classification.
Comment: The ATM p.Pro2974Leu variant was identified in 1 of 14 proband chromosomes (frequency: 0.07) from individuals or families with acute lymphoid and myeloid leukemia with mixed lineage leukemia (MLL) (Oguchi 2003). The variant was also identified in dbSNP (ID: rs139379666) as â€šÃ„ÃºWith Uncertain significance alleleâ€šÃ„Ã¹, in the ClinVar database as uncertain significance by Invitae, GeneDx, and Ambry Genetics. The variant was not identified in Cosmic, MutDB, LOVD 3.0, and ATM-LOVD databases. In addition, the variant was identified in control databases in 23 of 277148 chromosomes at a frequency of 0.00008 (Genome Aggregation Consortium Feb 27, 2017); in the 1000 Genomes Project in 1 of 5000 chromosomes (frequency: 0.0002) and the NHLBI GO Exome Sequencing Project in 1 of 4402 African American alleles (frequency: 0.0002). In one functional study, the p.Pro2974Leu variant in the PI-3 kinase domain of the ATM gene was identified in one patient with myeloid leukemia with a normal level expression of the ATM protein. The variant leads to a change in the secondary structure of the ATM protein, namely, loss of random coil between alpha helices. In vitro kinase studies showed that 8921T was defective in mediating p53-Ser15 phosphorylation. Thus, this change in the secondary structure of the PI-3 kinase domain may disrupt its enzymatic function. Expression of 8921T ATM in AT fibroblasts sowed only partial rescue of the radiosensitive phenotype. In addition, its expression in U2OS cells showed an interfering effect with the normal function of ATM. This finding strongly suggests pathogenicity. However, environmental factors such as exposure to top II inhibitors during development played a role in the development of MLL leukemia in this patient. The p.Pro2974 residue is conserved in mammals but not in more distantly related organisms and computational analyses (PolyPhen-2, SIFT, AlignGVGD, BLOSUM, MutationTaster) provide inconsistent predictions regarding the impact to the protein; this information is not very predictive of pathogenicity. The variant occurs outside of the splicing consensus sequence and in silico or computational prediction software programs (SpliceSiteFinder, MaxEntScan, NNSPLICE, GeneSplicer, HumanSpliceFinder) do not predict a difference in splicing. The variant is located with the Phosphatidylinositol 3-/4-kinase, catalytic domain Armadillo-type fold functional domain(s) increasing the likelihood that it may have clinical significance. In summary, based on the above information the clinical significance of this variant cannot be determined with certainty at this time. This variant is classified as a variant of uncertain significance.

Literature cited by the submitters: PubMed 29522266 (cited by Center for Genomic Medicine, Rigshospitalet, Copenhagen University Hospital and Ambry Genetics); PubMed 36243179 (cited by Center for Genomic Medicine, Rigshospitalet, Copenhagen University Hospital); PubMed 12511424 (cited by 6 submitters); PubMed 31160347 (cited by 5 submitters); PubMed 23555315 (cited by 4 submitters); PubMed 24326041 (cited by 4 submitters); PubMed 12969974 (cited by Women's Health and Genetics/Laboratory Corporation of America, LabCorp and Quest Diagnostics Nichols Institute San Juan Capistrano); PubMed 20232390 (cited by Women's Health and Genetics/Laboratory Corporation of America, LabCorp); PubMed 26689913 (cited by Women's Health and Genetics/Laboratory Corporation of America, LabCorp and Quest Diagnostics Nichols Institute San Juan Capistrano); PubMed 28652578 (cited by 3 submitters); PubMed 15696190 (cited by Women's Health and Genetics/Laboratory Corporation of America, LabCorp and Sema4); PubMed 30287823 (cited by 4 submitters); PubMed 32601921 (cited by 3 submitters); PubMed 33309985 (cited by 3 submitters); PubMed 40405108 (cited by Women's Health and Genetics/Laboratory Corporation of America, LabCorp); PubMed 28726808 (cited by Ambry Genetics and Quest Diagnostics Nichols Institute San Juan Capistrano); PubMed 14628072 (cited by Quest Diagnostics Nichols Institute San Juan Capistrano); PubMed 33471991 (cited by Quest Diagnostics Nichols Institute San Juan Capistrano and Sema4); PubMed 32980694 (cited by Quest Diagnostics Nichols Institute San Juan Capistrano and Sema4); PubMed 28873162 (cited by Quest Diagnostics Nichols Institute San Juan Capistrano and Sema4); PubMed 32091409 (cited by Sema4).